The following is an entry in ClinVar:

NM_022051.3(EGLN1):c.359C>G (p.Pro120Arg)

Gene: EGLN1 (egl-9 family hypoxia inducible factor 1; minus strand). Cytogenetic location: 1q42.2.
Variant type: single nucleotide variant.
Coding change: c.359C>G on transcript NM_022051.3 (MANE Select); coding-DNA position 359, C replaced by G.
Protein change: p.Pro120Arg; replaces proline 120 with arginine.
Molecular consequence: missense variant.
Genome position (GRCh38, 1-based): chr1:231,421,530, G>C on the plus strand (C>G on the coding strand, the complement: EGLN1 is on the minus strand). VCF-style: chr1-231421530-G-C. GRCh37 (hg19) VCF-style: chr1-231557276-G-C.
Other names: c.359C>G, p.Pro120Arg (NM_001377260.1, NM_001377261.1); short protein forms P120R.
Identifiers: ClinVar variation 2450387 (VCV002450387.2), dbSNP rs796280222, ClinGen allele CA345237480.
Genomic context (GRCh38, chr1:231,421,530, plus strand): 5'-GCAGCCACCGCCGAGCCCTGGCCGCCGGCGGCCGCACGACACGGCGACGCGGCCGCCGCT[G>C]GGTCGGCCGGGGGCTTGGCCTTTACTTTTCCCTTGGCCGCGTCCCCGGAGGCGTTGTCCC-3'
Protein context (NP_071334.1, residues 110-130): GKVKAKPPAD[Pro120Arg]AAAASPCRAA

ClinVar aggregate classification (germline): Uncertain significance (1 of 4 stars; one submission).

Submission:

Ambry Genetics
Classification: Uncertain significance. Last evaluated: 2023-02-23. Review status: criteria provided, single submitter. Criteria: Ambry Variant Classification Scheme 2023. Collection method: clinical testing. Allele origin: germline.
Comment: The p.P120R variant (also known as c.359C>G), located in coding exon 1 of the EGLN1 gene, results from a C to G substitution at nucleotide position 359. The proline at codon 120 is replaced by arginine, an amino acid with dissimilar properties. This amino acid position is conserved. In addition, this alteration is predicted to be tolerated by in silico analysis. Since supporting evidence is limited at this time, the clinical significance of this alteration remains unclear.